The following is an entry in ClinVar:

NM_018006.5(TRMU):c.517C>T (p.Gln173Ter)

Gene: TRMU (tRNA mitochondrial 2-thiouridylase; plus strand). Cytogenetic location: 22q13.31.
Variant type: single nucleotide variant.
Coding change: c.517C>T on transcript NM_018006.5 (MANE Select); coding-DNA position 517, C replaced by T.
Protein change: p.Gln173Ter; replaces glutamine 173 with a stop codon.
Molecular consequence: nonsense. On other transcripts: intron variant (2).
Genome position (GRCh38, 1-based): chr22:46,350,329, C>T. VCF-style: chr22-46350329-C-T. GRCh37 (hg19) VCF-style: chr22-46746226-C-T.
Other names: c.175C>T, p.Gln59Ter (NM_001282782.2); c.517C>T, p.Gln173Ter (NM_001282785.2); c.118-21C>T (NM_001282783.2, NM_001282784.2); short protein forms Q173*, Q59*.
Identifiers: ClinVar variation 4062384 (VCV004062384.2).

ClinVar aggregate classification (germline): Likely pathogenic (1 of 4 stars; one submission).

Conditions:
Acute infantile liver failure due to synthesis defect of mtDNA-encoded proteins. Also called: Liver failure acute infantile; LIVER FAILURE, INFANTILE, TRANSIENT; TRMU Deficiency. Identifiers: Orphanet 217371, MedGen C3278664, MONDO:0013111, OMIM 613070.

gnomAD v4.1: 1 of 1,614,228 alleles (0.000062%); highest among the groups gnomAD compares: South Asian, 0.0011%; no homozygotes.

Submission:

Natera, Inc.
Classification: Likely pathogenic for Acute infantile liver failure due to synthesis defect of mtDNA-encoded proteins. Last evaluated: 2025-04-28. Review status: criteria provided, single submitter. Criteria: Natera Variant Classification Schema (03/2026). Collection method: clinical testing. Allele origin: germline.
Comment: The c.517C>T variant in TRMU is a nonsense variant predicted to introduce a stop codon at amino acid 173. This variant is expected to result in nonsense mediated decay, truncation, or a dysfunctional protein product. This variant is rare in the general population with a frequency below the threshold expected for the associated phenotype(s). Given the available evidence, this variant is classified as Likely Pathogenic.